The following is an entry in ClinVar:

ClinVar aggregate classification (germline): Uncertain significance. Review status: criteria provided, multiple submitters, no conflicts (2 of 4 stars). 4 submissions from 4 submitters: Uncertain significance (4). Last evaluated 2025-11-26.

Conditions:
Neurofibromatosis, type 1 (NF1). Also called: Peripheral type neurofibromatosis; Neurofibromatosis, type I; VON RECKLINGHAUSEN DISEASE; NEUROFIBROMATOSIS, TYPE I, SOMATIC. Identifiers: Orphanet 636, MedGen C0027831, MONDO:0018975, OMIM 162200. Disease mechanism: loss of function.
Cardiovascular phenotype. Identifiers: MedGen CN230736.
Hereditary cancer-predisposing syndrome. Also called: Hereditary neoplastic syndrome; Tumor predisposition; Hereditary Cancer Syndrome; Neoplastic Syndromes, Hereditary. Identifiers: Orphanet 140162, MedGen C0027672, MeSH D009386, MONDO:0015356.

Allele frequency attached by ClinVar (database versions not stated): gnomAD exomes below 0.00001.
gnomAD v4.1: 4 of 1,613,756 alleles (0.00025%); highest among the groups gnomAD compares: Non-Finnish European, 0.00034%; no homozygotes.

Submissions (4):

Ambry Genetics
Classification: Uncertain significance for Cardiovascular phenotype; Hereditary cancer-predisposing syndrome. Last evaluated: 2025-11-26. Review status: criteria provided, single submitter. Criteria: Ambry Variant Classification Scheme 2023. Collection method: clinical testing. Allele origin: germline.
Comment: The p.T59A variant (also known as c.175A>G), located in coding exon 2 of the NF1 gene, results from an A to G substitution at nucleotide position 175. The threonine at codon 59 is replaced by alanine, an amino acid with similar properties. This amino acid position is highly conserved in available vertebrate species. In addition, the in silico prediction for this alteration is inconclusive. Based on the available evidence, the clinical significance of this variant remains unclear.

Labcorp Genetics (formerly Invitae), Labcorp
Classification: Uncertain significance for Neurofibromatosis, type 1. Last evaluated: 2024-05-03. Review status: criteria provided, single submitter. Criteria: Invitae Variant Classification Sherloc (09022015). Collection method: clinical testing. Allele origin: germline.
Comment: This sequence change replaces threonine, which is neutral and polar, with alanine, which is neutral and non-polar, at codon 59 of the NF1 protein (p.Thr59Ala). This variant is not present in population databases (gnomAD no frequency). This variant has not been reported in the literature in individuals affected with NF1-related conditions. ClinVar contains an entry for this variant (Variation ID: 579215). Advanced modeling of protein sequence and biophysical properties (such as structural, functional, and spatial information, amino acid conservation, physicochemical variation, residue mobility, and thermodynamic stability) performed at Invitae indicates that this missense variant is expected to disrupt NF1 protein function with a positive predictive value of 95%. In summary, the available evidence is currently insufficient to determine the role of this variant in disease. Therefore, it has been classified as a Variant of Uncertain Significance.

Genome-Nilou Lab
Classification: Uncertain significance for Neurofibromatosis, type 1. Last evaluated: 2022-03-15. Review status: criteria provided, single submitter. Criteria: ACMG Guidelines, 2015. Collection method: clinical testing. Allele origin: germline. Affected: no.

Sema4
Classification: Uncertain significance for Hereditary cancer-predisposing syndrome. Last evaluated: 2021-12-18. Review status: criteria provided, single submitter. Criteria: Sema4 Curation Guidelines. Collection method: curation. Allele origin: germline.
Comment: The NF1 c.175A>G (p.T59A) variant has been reported in 2/60466 breast cancer cases and 0/53461 healthy controls by a large case-control study (PMID: 33471991). This variant is not reported in the large and broad cohorts of the Genome Aggregation Database (PMID: 32461654). This variant has been reported in ClinVar (Variation ID: 579215). Functional studies have not been performed, and in silico predictions of the variant's effect on protein function are inconclusive. The overall evidence is insufficient to meet ACMG/AMP criteria for classifying it as benign or pathogenic. In summary, the clinical significance of this variant is currently uncertain.

Literature cited by the submitters: PubMed 33471991 (cited by Sema4).

NM_001042492.3(NF1):c.175A>G (p.Thr59Ala)

Gene: NF1 (neurofibromin 1; plus strand). Cytogenetic location: 17q11.2.
Variant type: single nucleotide variant.
Coding change: c.175A>G on transcript NM_001042492.3 (MANE Select); coding-DNA position 175, A replaced by G.
Protein change: p.Thr59Ala; replaces threonine 59 with alanine.
Molecular consequence: missense variant.
Genome position (GRCh38, 1-based): chr17:31,156,097, A>G. VCF-style: chr17-31156097-A-G. GRCh37 (hg19) VCF-style: chr17-29483115-A-G.
Other names: c.175A>G, p.Thr59Ala (NM_000267.4, NM_001128147.3); short protein forms T59A.
Identifiers: ClinVar variation 579215 (VCV000579215.9), dbSNP rs1567814586, ClinGen allele CA398988650.